The following is an entry in ClinVar:

NR_033294.2(SNORD118):n.44C>G

Genes: SNORD118 (small nucleolar RNA, C/D box 118; minus strand), TMEM107 (transmembrane protein 107; minus strand). Cytogenetic location: 17p13.1.
Variant type: single nucleotide variant.
Molecular consequence: non-coding transcript variant (on NR_033294.2). On other transcripts: 3 prime UTR variant (5).
Genome position: GRCh38 VCF-style: chr17-8173545-G-C. GRCh37 (hg19) VCF-style: chr17-8076863-G-C.
Other names: c.*658C>G (NM_001351278.2, NM_001351279.2, NM_001351280.2 and 2 more transcripts).
Identifiers: ClinVar variation 1991166 (VCV001991166.3), dbSNP rs145699731, ClinGen allele CA8370746.

ClinVar aggregate classification (germline): Uncertain significance (1 of 4 stars; one submission).

Allele frequency attached by ClinVar (database versions not stated): 1000 Genomes Project 30x 0.00031.
gnomAD v4.1: 162 of 765,350 alleles (0.021%); highest among the groups gnomAD compares: Middle Eastern, 0.11%; 1 homozygote.

Submission:

Labcorp Genetics (formerly Invitae), Labcorp
Classification: Uncertain significance. Last evaluated: 2024-05-15. Review status: criteria provided, single submitter. Criteria: Invitae Variant Classification Sherloc (09022015). Collection method: clinical testing. Allele origin: germline.
Comment: This variant occurs in the SNORD118 gene, which encodes an RNA molecule that does not result in a protein product. This variant is present in population databases (rs145699731, gnomAD 0.04%), including at least one homozygous and/or hemizygous individual. This variant has not been reported in the literature in individuals affected with SNORD118-related conditions. ClinVar contains an entry for this variant (Variation ID: 1991166). Experimental studies and prediction algorithms are not available or were not evaluated, and the functional significance of this variant is currently unknown. In summary, the available evidence is currently insufficient to determine the role of this variant in disease. Therefore, it has been classified as a Variant of Uncertain Significance.